The following is an entry in ClinVar:

NM_001164508.2(NEB):c.7421A>G (p.Asn2474Ser)

Gene: NEB (nebulin; minus strand). Cytogenetic location: 2q23.3.
Variant type: single nucleotide variant.
Coding change: c.7421A>G on transcript NM_001164508.2 (MANE Select); coding-DNA position 7421, A replaced by G.
Protein change: p.Asn2474Ser; replaces asparagine 2474 with serine.
Molecular consequence: missense variant.
Genome position (GRCh38, 1-based): chr2:151,650,186, T>C on the plus strand (A>G on the coding strand, the complement: NEB is on the minus strand). VCF-style: chr2-151650186-T-C. GRCh37 (hg19) VCF-style: chr2-152506700-T-C.
Other names: c.7421A>G, p.Asn2474Ser (NM_001164507.2, NM_001271208.2, NM_004543.5); short protein forms N2474S.
Identifiers: ClinVar variation 289022 (VCV000289022.10), dbSNP rs776901478, ClinGen allele CA1909860.

ClinVar aggregate classification (germline): Uncertain significance. Review status: criteria provided, multiple submitters, no conflicts (2 of 4 stars). 3 submissions from 3 submitters: Uncertain significance (3). Last evaluated 2022-06-27.

Conditions:
Nemaline myopathy 2 (NEM2). Also called: Nemaline myopathy 2, autosomal recessive. Identifiers: MedGen C1850569, MONDO:0009725, OMIM 256030.

Allele frequency attached by ClinVar (database versions not stated): ExAC 0.00001; gnomAD exomes 0.00001.
gnomAD v4.1: 10 of 1,613,720 alleles (0.00062%); highest among the groups gnomAD compares: Non-Finnish European, 0.00085%; no homozygotes.

Submissions (3):

Revvity Omics, Revvity
Classification: Uncertain significance. Last evaluated: 2022-06-27. Review status: criteria provided, single submitter. Criteria: ACMG Guidelines, 2015. Collection method: clinical testing. Allele origin: germline.

Labcorp Genetics (formerly Invitae), Labcorp
Classification: Uncertain significance for Nemaline myopathy 2. Last evaluated: 2021-11-12. Review status: criteria provided, single submitter. Criteria: Invitae Variant Classification Sherloc (09022015). Collection method: clinical testing. Allele origin: germline.
Comment: This sequence change replaces asparagine, which is neutral and polar, with serine, which is neutral and polar, at codon 2474 of the NEB protein (p.Asn2474Ser). This variant is present in population databases (rs776901478, gnomAD 0.002%). This variant has not been reported in the literature in individuals affected with NEB-related conditions. ClinVar contains an entry for this variant (Variation ID: 289022). Algorithms developed to predict the effect of missense changes on protein structure and function are either unavailable or do not agree on the potential impact of this missense change (SIFT: "Deleterious"; PolyPhen-2: "Not Available"; Align-GVGD: "Class C0"). Algorithms developed to predict the effect of sequence changes on RNA splicing suggest that this variant may create or strengthen a splice site. In summary, the available evidence is currently insufficient to determine the role of this variant in disease. Therefore, it has been classified as a Variant of Uncertain Significance.

Eurofins Ntd Llc (ga)
Classification: Uncertain significance. Last evaluated: 2016-08-09. Review status: criteria provided, single submitter. Criteria: EGL Classification Definitions 2015. Collection method: clinical testing. Allele origin: germline. Observed: 1 variant allele, 1 heterozygote.